The following is an entry in ClinVar:

ClinVar aggregate classification (germline): Uncertain significance (1 of 4 stars; one submission).

Submission:

GeneDx
Classification: Uncertain significance. Last evaluated: 2019-09-18. Review status: criteria provided, single submitter. Criteria: GeneDx Variant Classification Process June 2021. Collection method: clinical testing. Allele origin: germline. Affected: yes.
Comment: Not observed in large population cohorts (Lek et al., 2016); In-silico analysis, which includes splice predictors and evolutionary conservation, is inconclusive as to whether the variant alters gene splicing. In the absence of RNA/functional studies, the actual effect of this sequence change is unknown.; Has not been previously published as pathogenic or benign to our knowledge

NM_001348800.3(ZBTB20):c.1805-4A>G

Gene: ZBTB20 (zinc finger and BTB domain containing 20; minus strand). Cytogenetic location: 3q13.31.
Variant type: single nucleotide variant.
Coding change: c.1805-4A>G on transcript NM_001348800.3 (MANE Select); 4 bases into the intron before coding-DNA position 1805, A replaced by G.
Molecular consequence: intron variant.
Genome position (GRCh38, 1-based): chr3:114,339,430, T>C on the plus strand (A>G on the coding strand, the complement: ZBTB20 is on the minus strand). VCF-style: chr3-114339430-T-C. GRCh37 (hg19) VCF-style: chr3-114058277-T-C.
Other names: c.1586-4A>G (NM_015642.7, NM_001348801.3, NM_001348802.3 and 9 more transcripts); c.1805-4A>G (NM_001348803.3, NM_001393393.1, NM_001393394.1 and 1 more transcripts).
Identifiers: ClinVar variation 1312263 (VCV001312263.2), dbSNP rs2108084192, ClinGen allele CA645520362.